The following is an entry in ClinVar:

NM_005359.6(SMAD4):c.1169A>T (p.Glu390Val)

Gene: SMAD4 (SMAD family member 4; plus strand). Cytogenetic location: 18q21.2.
Variant type: single nucleotide variant.
Coding change: c.1169A>T on transcript NM_005359.6 (MANE Select); coding-DNA position 1169, A replaced by T.
Protein change: p.Glu390Val; replaces glutamic acid 390 with valine.
Molecular consequence: missense variant. On other transcripts: non-coding transcript variant (1).
Genome position (GRCh38, 1-based): chr18:51,067,048, A>T. VCF-style: chr18-51067048-A-T. GRCh37 (hg19) VCF-style: chr18-48593418-A-T.
Other names: c.1169A>T, p.Glu390Val (NM_001407041.1, NM_001407042.1); short protein forms E390V.
Identifiers: ClinVar variation 4803028 (VCV004803028.1).

ClinVar aggregate classification (germline): Uncertain significance (1 of 4 stars; one submission).

Conditions:
Juvenile polyposis syndrome (JPS). Identifiers: Orphanet 2929, MedGen C0345893, MONDO:0017380, OMIM 174900.

Submission:

Labcorp Genetics (formerly Invitae), Labcorp
Classification: Uncertain significance for Juvenile polyposis syndrome. Last evaluated: 2025-12-15. Review status: criteria provided, single submitter. Criteria: Invitae Variant Classification Sherloc (09022015). Collection method: clinical testing. Allele origin: germline.
Comment: This sequence change replaces glutamic acid, which is acidic and polar, with valine, which is neutral and non-polar, at codon 390 of the SMAD4 protein (p.Glu390Val). This variant is not present in population databases (gnomAD no frequency). This variant has not been reported in the literature in individuals affected with SMAD4-related conditions. Invitae Evidence Modeling of protein sequence and biophysical properties (such as structural, functional, and spatial information, amino acid conservation, physicochemical variation, residue mobility, and thermodynamic stability) has been performed for this missense variant. However, the output from this modeling did not meet the statistical confidence thresholds required to predict the impact of this variant on SMAD4 protein function. In summary, the available evidence is currently insufficient to determine the role of this variant in disease. Therefore, it has been classified as a Variant of Uncertain Significance.